The following is an entry in ClinVar:

ClinVar aggregate classification (germline): Uncertain significance. Review status: criteria provided, multiple submitters, no conflicts (2 of 4 stars). 2 submissions from 2 submitters: Uncertain significance (2). Last evaluated 2025-01-23.

Conditions:
Hereditary cancer-predisposing syndrome. Also called: Neoplastic Syndromes, Hereditary; Hereditary Cancer Syndrome; Tumor predisposition; Hereditary neoplastic syndrome. Identifiers: Orphanet 140162, MedGen C0027672, MeSH D009386, MONDO:0015356.

Submissions (2):

Labcorp Genetics (formerly Invitae), Labcorp
Classification: Uncertain significance. Last evaluated: 2025-01-23. Review status: criteria provided, single submitter. Criteria: Invitae Variant Classification Sherloc (09022015). Collection method: clinical testing. Allele origin: germline.
Comment: This sequence change replaces phenylalanine, which is neutral and non-polar, with leucine, which is neutral and non-polar, at codon 2163 of the POLE protein (p.Phe2163Leu). This variant is not present in population databases (gnomAD no frequency). This variant has not been reported in the literature in individuals affected with POLE-related conditions. ClinVar contains an entry for this variant (Variation ID: 575228). Invitae Evidence Modeling of protein sequence and biophysical properties (such as structural, functional, and spatial information, amino acid conservation, physicochemical variation, residue mobility, and thermodynamic stability) indicates that this missense variant is not expected to disrupt POLE protein function with a negative predictive value of 80%. In summary, the available evidence is currently insufficient to determine the role of this variant in disease. Therefore, it has been classified as a Variant of Uncertain Significance.

Ambry Genetics
Classification: Uncertain significance for Hereditary cancer-predisposing syndrome. Last evaluated: 2021-12-20. Review status: criteria provided, single submitter. Criteria: Ambry Variant Classification Scheme 2023. Collection method: clinical testing. Allele origin: germline.
Comment: The p.F2163L variant (also known as c.6489C>G), located in coding exon 46 of the POLE gene, results from a C to G substitution at nucleotide position 6489. The phenylalanine at codon 2163 is replaced by leucine, an amino acid with highly similar properties. This amino acid position is conserved. In addition, this alteration is predicted to be tolerated by in silico analysis. Since supporting evidence is limited at this time, the clinical significance of this alteration remains unclear.

NM_006231.4(POLE):c.6489C>G (p.Phe2163Leu)

Gene: POLE (DNA polymerase epsilon, catalytic subunit; minus strand). Cytogenetic location: 12q24.33.
Variant type: single nucleotide variant.
Coding change: c.6489C>G on transcript NM_006231.4 (MANE Select); coding-DNA position 6489, C replaced by G.
Protein change: p.Phe2163Leu; replaces phenylalanine 2163 with leucine.
Molecular consequence: missense variant.
Genome position (GRCh38, 1-based): chr12:132,626,159, G>C on the plus strand (C>G on the coding strand, the complement: POLE is on the minus strand). VCF-style: chr12-132626159-G-C. GRCh37 (hg19) VCF-style: chr12-133202745-G-C.
Other names: short protein forms F2163L.
Identifiers: ClinVar variation 575228 (VCV000575228.11), dbSNP rs1566309041, ClinGen allele CA387367295.